The following is an entry in ClinVar:

ClinVar aggregate classification (germline): Benign. Review status: criteria provided, multiple submitters, no conflicts (2 of 4 stars). 7 submissions from 7 submitters: Benign (7). Last evaluated 2026-02-02.

Conditions:
Neutrophil immunodeficiency syndrome. Also called: Immunodeficiency 73A with defective neutrophil chemotaxis and leukocytosis. Identifiers: Orphanet 183707, MedGen C1842398, MONDO:0011988, OMIM 608203.

Allele frequency attached by ClinVar (database versions not stated): 1000 Genomes Project 0.01837; gnomAD 0.01901 and 0.02042; ESP Exome Variant Server 0.01983; 1000 Genomes Project 30x 0.02077; TOPMed 0.02104; gnomAD exomes 0.00258 and 0.00510; ExAC 0.00895.
gnomAD v4.1: 6,624 of 1,552,320 alleles (0.43%); highest among the groups gnomAD compares: African/African-American, 6.1%; 123 homozygotes.

Submissions (7):

Labcorp Genetics (formerly Invitae), Labcorp
Classification: Benign for Neutrophil immunodeficiency syndrome. Last evaluated: 2026-02-02. Review status: criteria provided, single submitter. Criteria: Invitae Variant Classification Sherloc (09022015). Collection method: clinical testing. Allele origin: germline.

Women's Health and Genetics/Laboratory Corporation of America, LabCorp
Classification: Benign. Last evaluated: 2026-01-22. Review status: criteria provided, single submitter. Criteria: LabCorp Variant Classification Summary - May 2015. Collection method: clinical testing. Allele origin: germline.

ARUP Laboratories, Molecular Genetics and Genomics, ARUP Laboratories
Classification: Benign. Last evaluated: 2024-11-25. Review status: criteria provided, single submitter. Criteria: ARUP Molecular Germline Variant Investigation Process 2024. Collection method: clinical testing. Allele origin: germline.

Mayo Clinic Laboratories, Mayo Clinic
Classification: Benign. Last evaluated: 2018-10-09. Review status: criteria provided, single submitter. Criteria: ACMG Guidelines, 2015. Collection method: clinical testing. Allele origin: germline. Observed: 32 variant alleles.

Laboratory for Molecular Medicine, Mass General Brigham Personalized Medicine
Classification: Benign. Last evaluated: 2016-03-28. Review status: criteria provided, single submitter. Criteria: LMM Criteria. Collection method: clinical testing. Allele origin: germline.
Comment: Variant identified in a genome or exome case(s) and assessed due to predicted null impact of the variant or pathogenic assertions in the literature or databases. Disclaimer: This variant has not undergone full assessment. The following are preliminary notes: Frequency

GeneDx
Classification: Benign. Last evaluated: 2015-07-24. Review status: criteria provided, single submitter. Criteria: GeneDx Variant Classification (06012015). Collection method: clinical testing. Allele origin: germline. Affected: yes.
Comment: This variant is considered likely benign or benign based on one or more of the following criteria: it is a conservative change, it occurs at a poorly conserved position in the protein, it is predicted to be benign by multiple in silico algorithms, and/or has population frequency not consistent with disease.

Breakthrough Genomics
Classification: Benign. Review status: criteria provided, single submitter. Criteria: ACMG Guidelines, 2015. Collection method: not provided. Allele origin: germline. Inheritance: Autosomal recessive inheritance. Affected: yes.

NM_002872.5(RAC2):c.252C>T (p.Leu84=)

Gene: RAC2 (Rac family small GTPase 2; minus strand). Cytogenetic location: 22q13.1.
Variant type: single nucleotide variant.
Coding change: c.252C>T on transcript NM_002872.5 (MANE Select); coding-DNA position 252, C replaced by T.
Protein change: p.Leu84=; no amino-acid change (leucine 84 retained).
Molecular consequence: synonymous variant.
Genome position (GRCh38, 1-based): chr22:37,231,968, G>A on the plus strand (C>T on the coding strand, the complement: RAC2 is on the minus strand). VCF-style: chr22-37231968-G-A. GRCh37 (hg19) VCF-style: chr22-37628008-G-A.
Other names: p.Leu84=.
Identifiers: ClinVar variation 378454 (VCV000378454.24), dbSNP rs2230919, ClinGen allele CA10217560.
Genomic context (GRCh38, chr22:37,231,968, plus strand): 5'-CAAGGCCCACCCTGTCCAGCTCACCTTGGCGCGGACGTTCTCATAAGAGGCTGGGCTGAC[G>A]AGGGAGAAGCAGATGAGGAAGACGTCCTGGGGACAGAGCAAGCGAGGTTGCTAGTGAGGA-3'
Protein context (NP_002863.1, residues 74-94): QTDVFLICFS[Leu84=]VSPASYENVR